The following is an entry in ClinVar:

ClinVar aggregate classification (germline): Uncertain significance (1 of 4 stars; one submission).

Allele frequency attached by ClinVar (database versions not stated): TOPMed below 0.00001.

Submission:

Labcorp Genetics (formerly Invitae), Labcorp
Classification: Uncertain significance. Last evaluated: 2022-11-09. Review status: criteria provided, single submitter. Criteria: Invitae Variant Classification Sherloc (09022015). Collection method: clinical testing. Allele origin: germline.
Comment: This sequence change replaces glutamine, which is neutral and polar, with proline, which is neutral and non-polar, at codon 1149 of the ABCC6 protein (p.Gln1149Pro). This variant is not present in population databases (gnomAD no frequency). This variant has not been reported in the literature in individuals affected with ABCC6-related conditions. Advanced modeling of protein sequence and biophysical properties (such as structural, functional, and spatial information, amino acid conservation, physicochemical variation, residue mobility, and thermodynamic stability) performed at Invitae indicates that this missense variant is expected to disrupt ABCC6 protein function. In summary, the available evidence is currently insufficient to determine the role of this variant in disease. Therefore, it has been classified as a Variant of Uncertain Significance.

NM_001171.6(ABCC6):c.3446A>C (p.Gln1149Pro)

Gene: ABCC6 (ATP binding cassette subfamily C member 6; minus strand). Cytogenetic location: 16p13.11.
Variant type: single nucleotide variant.
Coding change: c.3446A>C on transcript NM_001171.6 (MANE Select); coding-DNA position 3446, A replaced by C.
Protein change: p.Gln1149Pro; replaces glutamine 1149 with proline.
Molecular consequence: missense variant.
Genome position (GRCh38, 1-based): chr16:16,163,053, T>G on the plus strand (A>C on the coding strand, the complement: ABCC6 is on the minus strand). VCF-style: chr16-16163053-T-G. GRCh37 (hg19) VCF-style: chr16-16256910-T-G.
Other names: c.3104A>C, p.Gln1035Pro (NM_001351800.1); short protein forms Q1149P, Q1035P.
Identifiers: ClinVar variation 2979418 (VCV002979418.2), dbSNP rs921152686, ClinGen allele CA278631447.
Genomic context (GRCh38, chr16:16,163,053, plus strand): 5'-CTGTCAGCCACCAGTCGCGGGAAACTGATCCTCTGGCTTTCATCTACGCGAGCATTGTTC[T>G]GAGCCACAAAGGGGGCCTGGGTTCGGAATGCCCGGACCACTGTGCTGCCCTGGAACGTCT-3'
Protein context (NP_001162.5, residues 1139-1159): AFRTQAPFVA[Gln1149Pro]NNARVDESQR